The following is an entry in ClinVar:

NM_001372106.1(DNAH10):c.858A>C (p.Glu286Asp)

Gene: DNAH10 (dynein axonemal heavy chain 10; plus strand). Cytogenetic location: 12q24.31.
Variant type: single nucleotide variant.
Coding change: c.858A>C on transcript NM_001372106.1 (MANE Select); coding-DNA position 858, A replaced by C.
Protein change: p.Glu286Asp; replaces glutamic acid 286 with aspartic acid.
Molecular consequence: missense variant.
Genome position (GRCh38, 1-based): chr12:123,783,123, A>C. VCF-style: chr12-123783123-A-C. GRCh37 (hg19) VCF-style: chr12-124267670-A-C.
Other names: c.675A>C, p.Glu225Asp (NM_207437.3); short protein forms E225D, E286D.
Identifiers: ClinVar variation 5041550 (VCV005041550.1).

ClinVar aggregate classification (germline): Uncertain significance (1 of 4 stars; one submission).

gnomAD v4.1: 4 of 1,614,184 alleles (0.00025%); highest among the groups gnomAD compares: Middle Eastern, 0.033%; 1 homozygote.

Submission:

CeGaT Center for Human Genetics Tuebingen
Classification: Uncertain significance. Last evaluated: 2026-09-01. Review status: criteria provided, single submitter. Criteria: CeGaT Center For Human Genetics Tuebingen Variant Classification Criteria Version 2. Collection method: clinical testing. Allele origin: germline. Affected: yes. Observed: 1 variant allele.
Comment: DNAH10: PM2, PP2, BP4